The following is an entry in ClinVar:

NM_133642.5(LARGE1):c.-82-19T>C

Gene: LARGE1 (LARGE xylosyl- and glucuronyltransferase 1; minus strand). Cytogenetic location: 22q12.3.
Variant type: single nucleotide variant.
Coding change: c.-82-19T>C on transcript NM_133642.5 (MANE Select); 19 bases into the intron before 82 bases upstream of the start codon, T replaced by C.
Molecular consequence: intron variant.
Genome position (GRCh38, 1-based): chr22:33,761,577, A>G on the plus strand (T>C on the coding strand, the complement: LARGE1 is on the minus strand). VCF-style: chr22-33761577-A-G. GRCh37 (hg19) VCF-style: chr22-34157564-A-G.
Other names: c.-82-19T>C (NM_001362953.2, NM_001362949.2, NM_001378627.1 and 7 more transcripts).
Identifiers: ClinVar variation 511109 (VCV000511109.1), dbSNP rs768214949, ClinGen allele CA323769558.
Genomic context (GRCh38, chr22:33,761,577, plus strand): 5'-CTGTCCGGAGCATGAAGTCCTCGGCCTCCCTCATAATACTCTCTGAAAGGAAGAGCAAAG[A>G]GGAAGGCCTGAGTTCTTAGCACTGGAGATGGGTGTAAGTTATGGAAGAGAAATATCTCAT-3'

ClinVar aggregate classification (germline): Likely benign (1 of 4 stars; one submission).

Allele frequency attached by ClinVar (database versions not stated): gnomAD exomes 0.00002; gnomAD 0.00003 and 0.00004; TOPMed 0.00007.
gnomAD v4.1: 19 of 915,540 alleles (0.0021%); highest among the groups gnomAD compares: Non-Finnish European, 0.003%; no homozygotes.

Submission:

GeneDx
Classification: Likely benign. Last evaluated: 2017-07-27. Review status: criteria provided, single submitter. Criteria: GeneDx Variant Classification (06012015). Collection method: clinical testing. Allele origin: germline. Affected: yes.
Comment: This variant is considered likely benign or benign based on one or more of the following criteria: it is a conservative change, it occurs at a poorly conserved position in the protein, it is predicted to be benign by multiple in silico algorithms, and/or has population frequency not consistent with disease.